The following is an entry in ClinVar:

NM_006363.6(SEC23B):c.1859T>C (p.Met620Thr)

Gene: SEC23B (SEC23 homolog B, COPII component; plus strand). Cytogenetic location: 20p11.23.
Variant type: single nucleotide variant.
Coding change: c.1859T>C on transcript NM_006363.6 (MANE Select); coding-DNA position 1859, T replaced by C.
Protein change: p.Met620Thr; replaces methionine 620 with threonine.
Molecular consequence: missense variant.
Genome position (GRCh38, 1-based): chr20:18,548,724, T>C. VCF-style: chr20-18548724-T-C. GRCh37 (hg19) VCF-style: chr20-18529368-T-C.
Other names: c.1859T>C, p.Met620Thr (NM_001172745.3, NM_032985.6, NM_032986.5); c.1805T>C, p.Met602Thr (NM_001172746.3); short protein forms M602T, M620T.
Identifiers: ClinVar variation 3768500 (VCV003768500.2).
Genomic context (GRCh38, chr20:18,548,724, plus strand): 5'-ATGAGTCGTCATATTACAGACATCATTTTGCCCGGCAGGACCTGACCCAGTCCCTCATCA[T>C]GATCCAGCCCATTCTCTACTCTTACTCCTTTCATGGGCCACCAGAGGTGAGGCTCTACCC-3'
Protein context (NP_006354.2, residues 610-630): ARQDLTQSLI[Met620Thr]IQPILYSYSF

ClinVar aggregate classification (germline): Conflicting classifications of pathogenicity. Review status: criteria provided, conflicting classifications (1 of 4 stars). 2 submissions from 2 submitters: Likely pathogenic (1); Uncertain significance (1). Last evaluated 2025-11-05.

Conditions:
Congenital dyserythropoietic anemia, type II (CDAN2). Also called: DYSERYTHROPOIETIC ANEMIA, HEMPAS TYPE. Identifiers: Orphanet 98873, MedGen C1306589, MONDO:0009134, OMIM 224100.
Cowden syndrome 7 (CWS7). Identifiers: Orphanet 201, MedGen C4225179, MONDO:0014802, OMIM 616858.

gnomAD v4.1: 9 of 1,614,236 alleles (0.00056%); highest among the groups gnomAD compares: East Asian, 0.0089%; no homozygotes.

Submissions (2):

Labcorp Genetics (formerly Invitae), Labcorp
Classification: Likely pathogenic for Congenital dyserythropoietic anemia, type II; Cowden syndrome 7. Last evaluated: 2025-11-05. Review status: criteria provided, single submitter. Criteria: Invitae Variant Classification Sherloc (09022015). Collection method: clinical testing. Allele origin: germline.
Comment: This sequence change replaces methionine, which is neutral and non-polar, with threonine, which is neutral and polar, at codon 620 of the SEC23B protein (p.Met620Thr). This variant is present in population databases (no rsID available, gnomAD 0.006%). This missense change has been observed in individual(s) with dyserythropoietic anemia type 2 (PMID: 30747246). In at least one individual the data is consistent with being in trans (on the opposite chromosome) from a pathogenic variant. ClinVar contains an entry for this variant (Variation ID: 3768500). Invitae Evidence Modeling of protein sequence and biophysical properties (such as structural, functional, and spatial information, amino acid conservation, physicochemical variation, residue mobility, and thermodynamic stability) indicates that this missense variant is expected to disrupt SEC23B protein function with a positive predictive value of 95%. This variant disrupts the p.Met620 amino acid residue in SEC23B. Other variant(s) that disrupt this residue have been observed in individuals with SEC23B-related conditions (PMID: 20941788, 30747246), which suggests that this may be a clinically significant amino acid residue. In summary, the currently available evidence indicates that the variant is pathogenic, but additional data are needed to prove that conclusively. Therefore, this variant has been classified as Likely Pathogenic.

Women's Health and Genetics/Laboratory Corporation of America, LabCorp
Classification: Uncertain significance. Last evaluated: 2024-12-20. Review status: criteria provided, single submitter. Criteria: LabCorp Variant Classification Summary - May 2015. Collection method: clinical testing. Allele origin: germline.
Comment: Variant summary: SEC23B c.1859T>C (p.Met620Thr) results in a non-conservative amino acid change in the encoded protein sequence. Five of five in-silico tools predict a damaging effect of the variant on protein function. The variant allele was found at a frequency of 4e-06 in 251472 control chromosomes. The available data on variant occurrences in the general population are insufficient to allow any conclusion about variant significance. c.1859T>C has been reported in the literature in one individual affected with Congenital dyserythropoietic anemia, type II (Zhang_2019). These data do not allow any conclusion about variant significance. To our knowledge, no experimental evidence demonstrating an impact on protein function has been reported. The following publication has been ascertained in the context of this evaluation (PMID: 30747246). No submitters have cited clinical-significance assessments for this variant to ClinVar. Based on the evidence outlined above, the variant was classified as uncertain significance.

Literature cited by the submitters: PubMed 30747246 (cited by Labcorp Genetics (formerly Invitae), Labcorp and Women's Health and Genetics/Laboratory Corporation of America, LabCorp); PubMed 20941788 (cited by Labcorp Genetics (formerly Invitae), Labcorp).